The following is an entry in ClinVar:

NM_020533.3(MCOLN1):c.17G>T (p.Gly6Val)

Genes: MCOLN1 (mucolipin TRP cation channel 1; plus strand), LOC130063376 (ATAC-STARR-seq lymphoblastoid silent region 9986; plus strand). Cytogenetic location: 19p13.2.
Variant type: single nucleotide variant.
Coding change: c.17G>T on transcript NM_020533.3 (MANE Select); coding-DNA position 17, G replaced by T.
Protein change: p.Gly6Val; replaces glycine 6 with valine.
Molecular consequence: missense variant.
Genome position (GRCh38, 1-based): chr19:7,522,767, G>T. VCF-style: chr19-7522767-G-T. GRCh37 (hg19) VCF-style: chr19-7587653-G-T.
Other names: short protein forms G6V.
Identifiers: ClinVar variation 1307509 (VCV001307509.2), dbSNP rs2146019192, ClinGen allele CA403151588.
Genomic context (GRCh38, chr19:7,522,767, plus strand): 5'-GCTGCCCCGCCGTACCCGCCTGCGTCCCGCGCTCCCGCCCCAGCATGACAGCCCCGGCGG[G>T]TCCGCGCGGCTCAGGTGAGGGCGCGGGCGGCACCGTGGGGCCCCGAACTCAGGCGGGCGG-3'
Protein context (NP_065394.1, residues 1-16): MTAPA[Gly6Val]PRGSETERLL

ClinVar aggregate classification (germline): Uncertain significance (1 of 4 stars; one submission).

Allele frequency attached by ClinVar (database versions not stated): gnomAD exomes below 0.00001.
gnomAD v4.1: 1 of 1,409,982 alleles (0.000071%); highest among the groups gnomAD compares: Non-Finnish European, 0.000092%; no homozygotes.

Submission:

GeneDx
Classification: Uncertain significance. Last evaluated: 2019-07-22. Review status: criteria provided, single submitter. Criteria: GeneDx Variant Classification Process June 2021. Collection method: clinical testing. Allele origin: germline. Affected: yes.
Comment: Not observed in large population cohorts (Lek et al., 2016); In silico analysis, which includes protein predictors and evolutionary conservation, supports that this variant does not alter protein structure/function; Has not been previously published as pathogenic or benign to our knowledge